The following is an entry in ClinVar:

NM_002303.6(LEPR):c.2651C>A (p.Ala884Glu)

Gene: LEPR (leptin receptor; plus strand). Cytogenetic location: 1p31.3.
Variant type: single nucleotide variant.
Coding change: c.2651C>A on transcript NM_002303.6 (MANE Select); coding-DNA position 2651, C replaced by A.
Protein change: p.Ala884Glu; replaces alanine 884 with glutamic acid.
Molecular consequence: missense variant.
Genome position (GRCh38, 1-based): chr1:65,622,959, C>A. VCF-style: chr1-65622959-C-A. GRCh37 (hg19) VCF-style: chr1-66088642-C-A.
Other names: c.2651C>A, p.Ala884Glu (NM_001003679.3, NM_001003680.3, NM_001198687.2 and 2 more transcripts); short protein forms A884E.
Identifiers: ClinVar variation 1504226 (VCV001504226.6), dbSNP rs2101014419, ClinGen allele CA340682247.
Genomic context (GRCh38, chr1:65,622,959, plus strand): 5'-TTTGTAGAATGAAAAAGCTATTTTGGGAAGATGTTCCGAACCCCAAGAATTGTTCCTGGG[C>A]ACAAGGACTTAATTTTCAGAAGGTTGCTTTTTCAATTTTTTTTAACCCAGAATATATACG-3'
Protein context (NP_002294.2, residues 874-894): DVPNPKNCSW[Ala884Glu]QGLNFQKPET

ClinVar aggregate classification (germline): Uncertain significance (1 of 4 stars; one submission).

Submission:

Labcorp Genetics (formerly Invitae), Labcorp
Classification: Uncertain significance. Last evaluated: 2022-08-16. Review status: criteria provided, single submitter. Criteria: Invitae Variant Classification Sherloc (09022015). Collection method: clinical testing. Allele origin: germline.
Comment: This sequence change replaces alanine, which is neutral and non-polar, with glutamic acid, which is acidic and polar, at codon 884 of the LEPR protein (p.Ala884Glu). This variant is not present in population databases (gnomAD no frequency). This variant has not been reported in the literature in individuals affected with LEPR-related conditions. ClinVar contains an entry for this variant (Variation ID: 1504226). Algorithms developed to predict the effect of missense changes on protein structure and function (SIFT, PolyPhen-2, Align-GVGD) all suggest that this variant is likely to be disruptive. In summary, the available evidence is currently insufficient to determine the role of this variant in disease. Therefore, it has been classified as a Variant of Uncertain Significance.